The following is an entry in ClinVar:

NM_001395413.1(POR):c.458A>G (p.Tyr153Cys)

Gene: POR (cytochrome p450 oxidoreductase; plus strand). Cytogenetic location: 7q11.23.
Variant type: single nucleotide variant.
Coding change: c.458A>G on transcript NM_001395413.1 (MANE Select); coding-DNA position 458, A replaced by G.
Protein change: p.Tyr153Cys; replaces tyrosine 153 with cysteine.
Molecular consequence: missense variant.
Genome position (GRCh38, 1-based): chr7:75,980,439, A>G. VCF-style: chr7-75980439-A-G. GRCh37 (hg19) VCF-style: chr7-75609757-A-G.
Other names: c.467A>G, p.Tyr156Cys (NM_000941.2, NM_000941.3); c.458A>G, p.Tyr153Cys (NM_001367562.3, NM_001382657.2, NM_001382658.3 and 2 more transcripts); c.512A>G, p.Tyr171Cys (NM_001382655.3); short protein forms Y153C, Y156C, Y171C.
Identifiers: ClinVar variation 3036544 (VCV003036544.3), dbSNP rs375378703, ClinGen allele CA4303641.

ClinVar aggregate classification (germline): Uncertain significance. Review status: criteria provided, single submitter (1 of 4 stars). 2 submissions from 2 submitters: Uncertain significance (1). 1 of the submissions does not count toward it. Last evaluated 2024-02-12.

Conditions:
Inborn genetic diseases. Identifiers: MedGen C0950123, MeSH D030342.
POR-related disorder. Also called: POR-related condition.

Allele frequency attached by ClinVar (database versions not stated): gnomAD exomes 0.00001; TOPMed 0.00002; gnomAD 0.00003; ExAC 0.00005; ESP Exome Variant Server 0.00008; 1000 Genomes Project 30x 0.00016; 1000 Genomes Project 0.00020.
gnomAD v4.1: 20 of 1,613,228 alleles (0.0012%); highest among the groups gnomAD compares: Middle Eastern, 0.033%; no homozygotes.

Submissions (2):

Ambry Genetics
Classification: Uncertain significance for Inborn genetic diseases. Last evaluated: 2024-02-12. Review status: criteria provided, single submitter. Criteria: Ambry Variant Classification Scheme 2023. Collection method: clinical testing. Allele origin: germline.

PreventionGenetics, part of Exact Sciences
Classification: Uncertain significance for POR-related condition. Last evaluated: 2023-11-21. Review status: no assertion criteria provided. Collection method: clinical testing. Allele origin: germline. Not counted in ClinVar's aggregate classification.
Comment: The POR c.467A>G variant is predicted to result in the amino acid substitution p.Tyr156Cys. To our knowledge, this variant has not been reported in the literature. This variant is reported in 0.036% of alleles in individuals of East Asian descent in gnomAD. At this time, the clinical significance of this variant is uncertain due to the absence of conclusive functional and genetic evidence.